The following is an entry in ClinVar:

NM_013275.6(ANKRD11):c.2434del (p.Ser812fs)

Gene: ANKRD11 (ankyrin repeat domain containing 11; minus strand). Cytogenetic location: 16q24.3.
Variant type: Deletion.
Coding change: c.2434del on transcript NM_013275.6 (MANE Select); coding-DNA position 2434, one base deleted (T; older notation c.2434delT).
Protein change: p.Ser812fs; shifts the reading frame from serine 812.
Molecular consequence: frameshift variant.
Genome position (GRCh38, 1-based): chr16:89,284,108, A deleted on the plus strand (T on the coding strand, the reverse complement: ANKRD11 is on the minus strand); the first of 2 consecutive A bases (chr16:89,284,108-89,284,109); deleting either gives the same sequence. VCF-style (leftmost placement, unchanged base first): chr16-89284107-GA-G. GRCh37 (hg19) VCF-style: chr16-89350515-GA-G.
Other names: c.2434del, p.Ser812fs (NM_001256182.2, NM_001256183.2); short protein forms S812fs.
Identifiers: ClinVar variation 2443594 (VCV002443594.1), dbSNP rs2544241222, ClinGen allele CA2580092305.

ClinVar aggregate classification (germline): Pathogenic (1 of 4 stars; one submission).

Submission:

GeneDx
Classification: Pathogenic. Last evaluated: 2023-03-09. Review status: criteria provided, single submitter. Criteria: GeneDx Variant Classification Process June 2021. Collection method: clinical testing. Allele origin: germline. Affected: yes.
Comment: Frameshift variant predicted to result in protein truncation or nonsense mediated decay in a gene for which loss-of-function is a known mechanism of disease; Not observed at significant frequency in large population cohorts (gnomAD); Has not been previously published as pathogenic or benign to our knowledge